The following is an entry in ClinVar:

NM_000719.7(CACNA1C):c.2051C>T (p.Thr684Ile)

Gene: CACNA1C (calcium voltage-gated channel subunit alpha1 C; plus strand). Cytogenetic location: 12p13.33.
Variant type: single nucleotide variant.
Coding change: c.2051C>T on transcript NM_000719.7 (MANE Select); coding-DNA position 2051, C replaced by T.
Protein change: p.Thr684Ile; replaces threonine 684 with isoleucine.
Molecular consequence: missense variant.
Genome position (GRCh38, 1-based): chr12:2,581,745, C>T. VCF-style: chr12-2581745-C-T. GRCh37 (hg19) VCF-style: chr12-2690911-C-T.
Other names: c.2051C>T, p.Thr684Ile (NM_001129827.2, NM_001129829.2, NM_001129830.3 and 18 more transcripts); c.2042C>T, p.Thr681Ile (NM_001129844.2); short protein forms T684I, T681I.
Identifiers: ClinVar variation 3262712 (VCV003262712.1).
Genomic context (GRCh38, chr12:2,581,745, plus strand): 5'-TCTTCTCCCTCCTGGGGATGCAGCTCTTTGGAGGAAAGTTCAACTTTGATGAGATGCAGA[C>T]CCGGAGGAGCACATTCGATAACTTCCCCCAGTCCCTCCTCACTGTGTTTCAGGTATGGAC-3'
Protein context (NP_000710.5, residues 674-694): GGKFNFDEMQ[Thr684Ile]RRSTFDNFPQ

ClinVar aggregate classification (germline): Uncertain significance (1 of 4 stars; one submission).

Conditions:
Cardiovascular phenotype. Identifiers: MedGen CN230736.

gnomAD v4.1: 1 of 1,613,374 alleles (0.000062%); highest among the groups gnomAD compares: Non-Finnish European, 0.000085%; no homozygotes.

Submission:

Ambry Genetics
Classification: Uncertain significance for Cardiovascular phenotype. Last evaluated: 2024-03-22. Review status: criteria provided, single submitter. Criteria: Ambry Variant Classification Scheme 2023. Collection method: clinical testing. Allele origin: germline.
Comment: The p.T684I variant (also known as c.2051C>T), located in coding exon 14 of the CACNA1C gene, results from a C to T substitution at nucleotide position 2051. The threonine at codon 684 is replaced by isoleucine, an amino acid with similar properties. This amino acid position is highly conserved in available vertebrate species. In addition, this alteration is predicted to be deleterious by in silico analysis. Based on the available evidence, the clinical significance of this alteration remains unclear.